The following is an entry in ClinVar:

NM_014236.4(GNPAT):c.26C>T (p.Ser9Phe)

Gene: GNPAT (glyceronephosphate O-acyltransferase; plus strand). Cytogenetic location: 1q42.2.
Variant type: single nucleotide variant.
Coding change: c.26C>T on transcript NM_014236.4 (MANE Select); coding-DNA position 26, C replaced by T.
Protein change: p.Ser9Phe; replaces serine 9 with phenylalanine.
Molecular consequence: missense variant.
Genome position (GRCh38, 1-based): chr1:231,241,404, C>T. VCF-style: chr1-231241404-C-T. GRCh37 (hg19) VCF-style: chr1-231377150-C-T.
Other names: c.26C>T, p.Ser9Phe (NM_001316350.2); short protein forms S9F.
Identifiers: ClinVar variation 260361 (VCV000260361.26), dbSNP rs113480953, ClinGen allele CA1451694.

ClinVar aggregate classification (germline): Benign. Review status: criteria provided, multiple submitters, no conflicts (2 of 4 stars). 6 submissions from 6 submitters: Benign (6). Last evaluated 2026-02-02.

Conditions:
Rhizomelic chondrodysplasia punctata type 2 (RCDP2). Also called: DIHYDROXYACETONEPHOSPHATE ACYLTRANSFERASE DEFICIENCY; glyceronephosphate O-acyltransferase (GNPAT) deficiency; Glyceronephosphate O-acyltransferase deficiency; DHAPAT DEFICIENCY; PEROXISOMAL DIHYDROXYACETONEPHOSPHATE ACYLTRANSFERASE DEFICIENCY; Chondrodysplasia punctata, rhizomelic, due to dihydroxyacetonephosphate acyltransferase deficiency. Identifiers: Orphanet 177, Orphanet 309796, MedGen C1857242, MONDO:0100273, OMIM 222765. Disease mechanism: loss of function.

Allele frequency attached by ClinVar (database versions not stated): gnomAD exomes 0.00422; ESP Exome Variant Server 0.01653; TOPMed 0.01856; 1000 Genomes Project 0.01418; ExAC 0.00534; gnomAD 0.01638 and 0.01765; 1000 Genomes Project 30x 0.01530.
gnomAD v4.1: 4,719 of 1,613,988 alleles (0.29%); highest among the groups gnomAD compares: African/African-American, 5.5%; 126 homozygotes.

Submissions (6):

Labcorp Genetics (formerly Invitae), Labcorp
Classification: Benign. Last evaluated: 2026-02-02. Review status: criteria provided, single submitter. Criteria: Invitae Variant Classification Sherloc (09022015). Collection method: clinical testing. Allele origin: germline.

ARUP Laboratories, Molecular Genetics and Genomics, ARUP Laboratories
Classification: Benign for Rhizomelic chondrodysplasia punctata type 2. Last evaluated: 2023-11-06. Review status: criteria provided, single submitter. Criteria: ARUP Molecular Germline Variant Investigation Process 2024. Collection method: clinical testing. Allele origin: germline.

Illumina Laboratory Services, Illumina
Classification: Benign for Rhizomelic chondrodysplasia punctata type 2. Last evaluated: 2018-01-12. Review status: criteria provided, single submitter. Criteria: ICSL Variant Classification Criteria 13 December 2019. Collection method: clinical testing. Allele origin: germline.
Comment: This variant was observed in the ICSL laboratory as part of a predisposition screen in an ostensibly healthy population. It had not been previously curated by ICSL or reported in the Human Gene Mutation Database (HGMD: prior to June 1st, 2018), and was therefore a candidate for classification through an automated scoring system. Utilizing variant allele frequency, disease prevalence and penetrance estimates, and inheritance mode, an automated score was calculated to assess if this variant is too frequent to cause the disease. Based on the score and internal cut-off values, a variant classified as benign is not then subjected to further curation. The score for this variant resulted in a classification of benign for this disease.

GeneDx
Classification: Benign. Last evaluated: 2016-06-24. Review status: criteria provided, single submitter. Criteria: GeneDx Variant Classification (06012015). Collection method: clinical testing. Allele origin: germline. Affected: yes.
Comment: This variant is considered likely benign or benign based on one or more of the following criteria: it is a conservative change, it occurs at a poorly conserved position in the protein, it is predicted to be benign by multiple in silico algorithms, and/or has population frequency not consistent with disease.

Breakthrough Genomics
Classification: Benign. Review status: criteria provided, single submitter. Criteria: ACMG Guidelines, 2015. Collection method: not provided. Allele origin: germline. Inheritance: Autosomal recessive inheritance. Affected: yes.

PreventionGenetics, part of Exact Sciences
Classification: Benign. Review status: criteria provided, single submitter. Criteria: ACMG Guidelines, 2015. Collection method: clinical testing. Allele origin: germline.